The following is an entry in ClinVar:

ClinVar aggregate classification (germline): Pathogenic. Review status: criteria provided, single submitter (1 of 4 stars). 2 submissions from 2 submitters: Pathogenic (1). 1 of the submissions does not count toward it. Last evaluated 2024-06-07.

Conditions:
Mucopolysaccharidosis, MPS-II (MPS2). Also called: IDS deficiency; Sulfoiduronate sulfatase deficiency; SIDS deficiency; Mucopolysaccharidosis type 2; Mucopolysaccharidosis Type II; Attenuated MPS (subtype; formerly known as mild MPS II). Identifiers: Orphanet 580, Orphanet 79388, MedGen C0026705, MONDO:0010674, OMIM 309900.

Submissions (2):

Laboratory of Diagnosis and Therapy of Lysosomal Disorders, University of Padova
Classification: Pathogenic for Mucopolysaccharidosis, MPS-II. Last evaluated: 2024-06-07. Review status: criteria provided, single submitter. Criteria: ACMG Guidelines, 2015. Collection method: literature only. Allele origin: germline. Affected: yes. Observed: 1 variant allele.
Comment: Null variant (PVS1_VeryStrong), Absent from controls (or at low frequency) in gnomAD database (PM2_Moderate), Patient’s phenotype or family history highly specific for the disease (PP4_Strong)

Classification method: ACMG Guidelines [PMID:25741868] with modifications

Laboratory of Inherited Metabolic Diseases, Research centre for medical genetics
Classification: Pathogenic for Mucopolysaccharidosis, type II; MPS2. Review status: no assertion criteria provided. Collection method: research. Allele origin: germline. Affected: yes. Not counted in ClinVar's aggregate classification.

Literature cited by the submitters: PubMed 33676511 (cited by Laboratory of Diagnosis and Therapy of Lysosomal Disorders, University of Padova).

NM_000202.8(IDS):c.800_801del (p.Trp267fs)

Genes: IDS (iduronate 2-sulfatase; minus strand), LOC106050102 (IDS recombination region; plus strand). Cytogenetic location: Xq28.
Variant type: Deletion.
Coding change: c.800_801del on transcript NM_000202.8 (MANE Select); coding-DNA positions 800 to 801, 2 bases deleted (GG; older notation c.800_801delGG).
Protein change: p.Trp267fs; shifts the reading frame from tryptophan 267.
Molecular consequence: frameshift variant. On other transcripts: non-coding transcript variant (1).
Genome position (GRCh38, 1-based): chrX:149,496,424-149,496,425, CC deleted on the plus strand (GG on the coding strand, the reverse complement: IDS is on the minus strand). VCF-style (leftmost placement, unchanged base first): chrX-149496423-TCC-T. GRCh37 (hg19) VCF-style: chrX-148577954-TCC-T.
Other names: c.530_531del, p.Trp177fs (NM_001166550.4); c.800_801del, p.Trp267fs (NM_006123.5); short protein forms W177fs, W267fs.
Identifiers: ClinVar variation 988684 (VCV000988684.3), dbSNP rs2089436972, ClinGen allele CA2465008693.